The following is an entry in ClinVar:

ClinVar aggregate classification (germline): Uncertain significance. Review status: criteria provided, multiple submitters, no conflicts (2 of 4 stars). 2 submissions from 2 submitters: Uncertain significance (2). Last evaluated 2022-06-04.

Conditions:
Primary ciliary dyskinesia. Also called: Ciliary dyskinesia. Identifiers: Orphanet 244, MedGen C0008780, MONDO:0016575, HP:0012265.

Allele frequency attached by ClinVar (database versions not stated): gnomAD 0.00002 and 0.00003; TOPMed 0.00002.

Submissions (2):

Labcorp Genetics (formerly Invitae), Labcorp
Classification: Uncertain significance for Primary ciliary dyskinesia. Last evaluated: 2022-06-04. Review status: criteria provided, single submitter. Criteria: Invitae Variant Classification Sherloc (09022015). Collection method: clinical testing. Allele origin: germline.
Comment: This sequence change replaces arginine, which is basic and polar, with glutamine, which is neutral and polar, at codon 48 of the CCDC114 protein (p.Arg48Gln). This variant is not present in population databases (gnomAD no frequency). In summary, the available evidence is currently insufficient to determine the role of this variant in disease. Therefore, it has been classified as a Variant of Uncertain Significance. Algorithms developed to predict the effect of missense changes on protein structure and function output the following: SIFT: "Tolerated"; PolyPhen-2: "Benign"; Align-GVGD: "Class C0". The glutamine amino acid residue is found in multiple mammalian species, which suggests that this missense change does not adversely affect protein function. ClinVar contains an entry for this variant (Variation ID: 956848). This variant has not been reported in the literature in individuals affected with CCDC114-related conditions.

Ambry Genetics
Classification: Uncertain significance for Primary ciliary dyskinesia. Last evaluated: 2021-11-05. Review status: criteria provided, single submitter. Criteria: Ambry Variant Classification Scheme 2023. Collection method: clinical testing. Allele origin: germline.

NM_001364171.2(ODAD1):c.254G>A (p.Arg85Gln)

Gene: ODAD1 (outer dynein arm docking complex subunit 1; minus strand). Cytogenetic location: 19q13.33.
Variant type: single nucleotide variant.
Coding change: c.254G>A on transcript NM_001364171.2 (MANE Select); coding-DNA position 254, G replaced by A.
Protein change: p.Arg85Gln; replaces arginine 85 with glutamine.
Molecular consequence: missense variant.
Genome position (GRCh38, 1-based): chr19:48,318,493, C>T on the plus strand (G>A on the coding strand, the complement: ODAD1 is on the minus strand). VCF-style: chr19-48318493-C-T. GRCh37 (hg19) VCF-style: chr19-48821750-C-T.
Other names: c.143G>A, p.Arg48Gln (NM_144577.4); short protein forms R48Q, R85Q.
Identifiers: ClinVar variation 956848 (VCV000956848.11), dbSNP rs1186646725, ClinGen allele CA406666268.